The following is an entry in ClinVar:

ClinVar aggregate classification (germline): Uncertain significance (1 of 4 stars; one submission).

Conditions:
Cardiomyopathy (CMYO). Also called: Cardiomyopathies. Identifiers: Orphanet 167848, MedGen C0878544, MONDO:0004994, HP:0001638. Inheritance: Various modes of inheritance.

Submission:

Color Diagnostics, LLC DBA Color Health
Classification: Uncertain significance for Cardiomyopathy. Last evaluated: 2023-12-05. Review status: criteria provided, single submitter. Criteria: ACMG Guidelines, 2015. Collection method: clinical testing. Allele origin: germline.
Comment: This missense variant replaces isoleucine with phenylalanine at codon 445 of the PRKAG2 protein. Computational prediction suggests that this variant may have deleterious impact on protein structure and function (internally defined REVEL score threshold >= 0.7, PMID: 27666373). To our knowledge, functional studies have not been reported for this variant. This variant has not been reported in individuals affected with PRKAG2-related disorders in the literature. This variant has not been identified in the general population by the Genome Aggregation Database (gnomAD). The available evidence is insufficient to determine the role of this variant in disease conclusively. Therefore, this variant is classified as a Variant of Uncertain Significance.

NM_016203.4(PRKAG2):c.1333A>T (p.Ile445Phe)

Gene: PRKAG2 (protein kinase AMP-activated non-catalytic subunit gamma 2; minus strand). Cytogenetic location: 7q36.1.
Variant type: single nucleotide variant.
Coding change: c.1333A>T on transcript NM_016203.4 (MANE Select); coding-DNA position 1333, A replaced by T.
Protein change: p.Ile445Phe; replaces isoleucine 445 with phenylalanine.
Molecular consequence: missense variant.
Genome position (GRCh38, 1-based): chr7:151,565,786, T>A on the plus strand (A>T on the coding strand, the complement: PRKAG2 is on the minus strand). VCF-style: chr7-151565786-T-A. GRCh37 (hg19) VCF-style: chr7-151262872-T-A.
Other names: c.1201A>T, p.Ile401Phe (NM_001040633.2); c.958A>T, p.Ile320Phe (NM_001304527.2); c.610A>T, p.Ile204Phe (NM_001304531.2, NM_024429.2); c.961A>T, p.Ile321Phe (NM_001363698.2); short protein forms I401F, I445F, I204F, I320F, I321F.
Identifiers: ClinVar variation 924778 (VCV000924778.4), dbSNP rs1344209675, ClinGen allele CA370070998.
Genomic context (GRCh38, chr7:151,565,786, plus strand): 5'-CATCCACAACAGGCAGAGCTGATATTCGTCTTTCCACAAATATGTTCAAGGCTTTGATGA[T>A]GGGAGTGTCTGGATGTATGAAGGCAATGTTGTGGTACGTTCCTATTCCAAGCTCATCCAG-3'
Protein context (NP_057287.2, residues 435-455): NIAFIHPDTP[Ile445Phe]IKALNIFVER